The following is an entry in ClinVar:

NC_000010.11:g.(?_66520607)_(66775534_?)del

Gene: CTNNA3 (catenin alpha 3; minus strand). Cytogenetic location: 10q21.3.
Variant type: Deletion.
Identifiers: ClinVar variation 832577 (VCV000832577.1).

ClinVar aggregate classification (germline): Uncertain significance (1 of 4 stars; one submission).

Conditions:
Arrhythmogenic right ventricular dysplasia 13. Also called: Arrhythmogenic right ventricular dysplasia, familial, 13; ARRHYTHMOGENIC RIGHT VENTRICULAR CARDIOMYOPATHY 13. Identifiers: MedGen C3810138, MONDO:0000908, OMIM 615616.

Submission:

Labcorp Genetics (formerly Invitae), Labcorp
Classification: Uncertain significance for Arrhythmogenic right ventricular dysplasia, familial, 13. Last evaluated: 2020-01-07. Review status: criteria provided, single submitter. Criteria: Invitae Variant Classification Sherloc (09022015). Collection method: clinical testing. Allele origin: germline.
Comment: This variant is an out-of-frame deletion of the genomic region encompassing exons 8-11 of the CTNNA3 gene. This is expected to create a premature translational stop signal and result in an absent or disrupted protein product. This variant has not been reported in the literature in individuals with CTNNA3-related conditions. The current clinical and genetic evidence is not sufficient to establish whether loss-of-function variants in CTNNA3 cause disease. In summary, the available evidence is currently insufficient to determine the role of this variant in disease. Therefore, it has been classified as a Variant of Uncertain Significance.